The following is an entry in ClinVar:

NM_004784.3(NDST3):c.1382G>T (p.Arg461Leu)

Genes: NDST3 (N-deacetylase and N-sulfotransferase 3; plus strand), NDST3-AS1 (NDST3 antisense RNA 1; minus strand). Cytogenetic location: 4q26.
Variant type: single nucleotide variant.
Coding change: c.1382G>T on transcript NM_004784.3 (MANE Select); coding-DNA position 1382, G replaced by T.
Protein change: p.Arg461Leu; replaces arginine 461 with leucine.
Molecular consequence: missense variant. On other transcripts: non-coding transcript variant (2).
Genome position (GRCh38, 1-based): chr4:118,138,211, G>T. VCF-style: chr4-118138211-G-T. GRCh37 (hg19) VCF-style: chr4-119059366-G-T.
Other names: short protein forms R461L.
Identifiers: ClinVar variation 3765625 (VCV003765625.1).
Genomic context (GRCh38, chr4:118,138,211, plus strand): 5'-TCTGGAATATTAAAATCACCAGCACTGAAGAATATCCACATCTGAAGCCAGCTAGATACC[G>T]GAGGGGTTTTATCCACAAAAACATCATGGTGAGCTTCCTCCAGTATGCATAGGGTACAAC-3'
Protein context (NP_004775.1, residues 451-471): EYPHLKPARY[Arg461Leu]RGFIHKNIMV

ClinVar aggregate classification (germline): Uncertain significance (1 of 4 stars; one submission).

Submission:

Greenwood Genetic Center Diagnostic Laboratories, Greenwood Genetic Center
Classification: Uncertain significance. Last evaluated: 2024-09-03. Review status: criteria provided, single submitter. Criteria: ACMG Guidelines, 2015. Collection method: clinical testing. Allele origin: germline. Affected: yes.
Comment: Gene of Uncertain Significance